The following is an entry in ClinVar:

ClinVar aggregate classification (germline): Likely benign. Review status: criteria provided, multiple submitters, no conflicts (2 of 4 stars). 2 submissions from 2 submitters: Likely benign (2). Last evaluated 2024-10-22.

Allele frequency attached by ClinVar (database versions not stated): gnomAD exomes 0.00001 and 0.00004; ExAC 0.00002; gnomAD 0.00002 and 0.00003; TOPMed 0.00004.
gnomAD v4.1: 62 of 1,614,024 alleles (0.0038%); highest among the groups gnomAD compares: Middle Eastern, 0.016%; no homozygotes.

Submissions (2):

Labcorp Genetics (formerly Invitae), Labcorp
Classification: Likely benign. Last evaluated: 2024-10-22. Review status: criteria provided, single submitter. Criteria: Invitae Variant Classification Sherloc (09022015). Collection method: clinical testing. Allele origin: germline.

CeGaT Center for Human Genetics Tuebingen
Classification: Likely benign. Last evaluated: 2024-05-01. Review status: criteria provided, single submitter. Criteria: CeGaT Center For Human Genetics Tuebingen Variant Classification Criteria Version 2. Collection method: clinical testing. Allele origin: germline. Affected: yes. Observed: 2 variant alleles.
Comment: UNC80: BP4, BP7

NM_001371986.1(UNC80):c.894T>C (p.Ser298=)

Gene: UNC80 (unc-80 subunit of NALCN channel complex; plus strand). Cytogenetic location: 2q34.
Variant type: single nucleotide variant.
Coding change: c.894T>C on transcript NM_001371986.1 (MANE Select); coding-DNA position 894, T replaced by C.
Protein change: p.Ser298=; no amino-acid change (serine 298 retained).
Molecular consequence: synonymous variant.
Genome position (GRCh38, 1-based): chr2:209,793,815, T>C. VCF-style: chr2-209793815-T-C. GRCh37 (hg19) VCF-style: chr2-210658539-T-C.
Other names: c.894T>C, p.Ser298= (NM_032504.2, NM_182587.4).
Identifiers: ClinVar variation 1578489 (VCV001578489.32), dbSNP rs762916531, ClinGen allele CA2082869.